The following is an entry in ClinVar:

NM_001374828.1(ARID1B):c.5602G>T (p.Glu1868Ter)

Gene: ARID1B (AT-rich interaction domain 1B; plus strand). Cytogenetic location: 6q25.3.
Variant type: single nucleotide variant.
Coding change: c.5602G>T on transcript NM_001374828.1 (MANE Select); coding-DNA position 5602, G replaced by T.
Protein change: p.Glu1868Ter; replaces glutamic acid 1868 with a stop codon.
Molecular consequence: nonsense.
Genome position (GRCh38, 1-based): chr6:157,206,374, G>T. VCF-style: chr6-157206374-G-T. GRCh37 (hg19) VCF-style: chr6-157527508-G-T.
Other names: c.3103G>T, p.Glu1035Ter (NM_001363725.2); c.5482G>T, p.Glu1828Ter (NM_001371656.1, NM_001374820.1); c.5731G>T, p.Glu1911Ter (NM_001438482.1); c.5644G>T, p.Glu1882Ter (NM_001438483.1); c.5512G>T, p.Glu1838Ter (NM_001438485.1); c.5485G>T, p.Glu1829Ter (NM_001438486.1); c.5422G>T, p.Glu1808Ter (NM_001438487.1); c.2944G>T, p.Glu982Ter (NM_001438488.1); and 1 more; short protein forms E1035*, E1808*, E1815*, E1828*, E1829*, E1838*, E1868*, E1882*.
Identifiers: ClinVar variation 4884895 (VCV004884895.2).

ClinVar aggregate classification (germline): Likely pathogenic (1 of 4 stars; one submission).

Submission:

Dasa
Classification: Likely pathogenic. Last evaluated: 2025-02-20. Review status: criteria provided, single submitter. Criteria: DASA Assertion Criteria. Collection method: clinical testing. Allele origin: germline.
Comment: NM_001374828.1(ARID1B):c.5602G>T (p.Glu1868*) is a nonsense variant in ARID1B predicted to introduce a premature termination codon and is predicted to result in an absent or altered protein product. Loss of function is an established disease mechanism for ARID1B (PMID: 22426308; PMID: 21801163; PMID: 22405089). Also, this variant is absent from population databases. Based on the currently available evidence, this variant is classified as likely pathogenic.

Literature cited by the submitters: PubMed 22426308; PubMed 21801163; PubMed 22405089.